The following is an entry in ClinVar:

NM_152564.5(VPS13B):c.1266A>C (p.Glu422Asp)

Gene: VPS13B (vacuolar protein sorting 13 homolog B; plus strand). Cytogenetic location: 8q22.2.
Variant type: single nucleotide variant.
Coding change: c.1266A>C on transcript NM_152564.5 (MANE Select); coding-DNA position 1266, A replaced by C.
Protein change: p.Glu422Asp; replaces glutamic acid 422 with aspartic acid.
Molecular consequence: missense variant.
Genome position (GRCh38, 1-based): chr8:99,134,691, A>C. VCF-style: chr8-99134691-A-C. GRCh37 (hg19) VCF-style: chr8-100146919-A-C.
Other names: c.1266A>C, p.Glu422Asp (NM_015243.3, NM_017890.5); short protein forms E422D.
Identifiers: ClinVar variation 3720001 (VCV003720001.2).

ClinVar aggregate classification (germline): Uncertain significance (1 of 4 stars; one submission).

Conditions:
Cohen syndrome (COH1). Also called: PEPPER SYNDROME; Cutis verticis gyrata, retinitis pigmentosa, and sensorineural deafness. Identifiers: Orphanet 193, MedGen C0265223, MONDO:0008999, OMIM 216550.

gnomAD v4.1: 2 of 1,610,394 alleles (0.00012%); highest among the groups gnomAD compares: East Asian, 0.0022%; no homozygotes.

Submission:

Labcorp Genetics (formerly Invitae), Labcorp
Classification: Uncertain significance for Cohen syndrome. Last evaluated: 2024-11-30. Review status: criteria provided, single submitter. Criteria: Invitae Variant Classification Sherloc (09022015). Collection method: clinical testing. Allele origin: germline.
Comment: This sequence change replaces glutamic acid, which is acidic and polar, with aspartic acid, which is acidic and polar, at codon 422 of the VPS13B protein (p.Glu422Asp). This variant is not present in population databases (gnomAD no frequency). This variant has not been reported in the literature in individuals affected with VPS13B-related conditions. Invitae Evidence Modeling of protein sequence and biophysical properties (such as structural, functional, and spatial information, amino acid conservation, physicochemical variation, residue mobility, and thermodynamic stability) indicates that this missense variant is expected to disrupt VPS13B protein function with a positive predictive value of 80%. In summary, the available evidence is currently insufficient to determine the role of this variant in disease. Therefore, it has been classified as a Variant of Uncertain Significance.